The following is an entry in ClinVar:

ClinVar aggregate classification (germline): Uncertain significance (1 of 4 stars; one submission).

Submission:

GeneDx
Classification: Uncertain significance. Last evaluated: 2024-11-18. Review status: criteria provided, single submitter. Criteria: GeneDx Variant Classification Process June 2021. Collection method: clinical testing. Allele origin: germline. Affected: yes.
Comment: Not observed at significant frequency in large population cohorts (gnomAD); In silico analysis indicates that this missense variant does not alter protein structure/function; Has not been previously published as pathogenic or benign to our knowledge

NM_001356.5(DDX3X):c.1255G>A (p.Val419Ile)

Gene: DDX3X (DEAD-box helicase 3 X-linked; plus strand). Cytogenetic location: Xp11.4.
Variant type: single nucleotide variant.
Coding change: c.1255G>A on transcript NM_001356.5 (MANE Select); coding-DNA position 1255, G replaced by A.
Protein change: p.Val419Ile; replaces valine 419 with isoleucine.
Molecular consequence: missense variant. On other transcripts: non-coding transcript variant (1).
Genome position (GRCh38, 1-based): chrX:41,345,488, G>A. VCF-style: chrX-41345488-G-A. GRCh37 (hg19) VCF-style: chrX-41204741-G-A.
Other names: c.1255G>A, p.Val419Ile (NM_001193416.3); c.1207G>A, p.Val403Ile (NM_001193417.3); c.697G>A, p.Val233Ile (NM_001363819.1); short protein forms V233I, V403I, V419I.
Identifiers: ClinVar variation 3900405 (VCV003900405.1).